The following is an entry in ClinVar:

ClinVar aggregate classification (germline): Likely benign (0 of 4 stars; one submission).

Conditions:
GPR180-related disorder. Also called: GPR180-related condition.

Allele frequency attached by ClinVar (database versions not stated): 1000 Genomes Project 30x 0.00094; 1000 Genomes Project 0.00120; ExAC 0.00146.

Submission:

PreventionGenetics, part of Exact Sciences
Classification: Likely benign for GPR180-related condition. Last evaluated: 2019-07-12. Review status: no assertion criteria provided. Collection method: clinical testing. Allele origin: germline.
Comment: This variant is classified as likely benign based on ACMG/AMP sequence variant interpretation guidelines (Richards et al. 2015 PMID: 25741868, with internal and published modifications).

NM_180989.6(GPR180):c.145+9G>C

Genes: GPR180 (G protein-coupled receptor 180; plus strand), LOC121468002 (Sharpr-MPRA regulatory region 4462; plus strand). Cytogenetic location: 13q32.1.
Variant type: single nucleotide variant.
Coding change: c.145+9G>C on transcript NM_180989.6 (MANE Select); 9 bases into the intron after coding-DNA position 145, G replaced by C.
Molecular consequence: intron variant.
Genome position (GRCh38, 1-based): chr13:94,602,081, G>C. VCF-style: chr13-94602081-G-C. GRCh37 (hg19) VCF-style: chr13-95254335-G-C.
Identifiers: ClinVar variation 3042434 (VCV003042434.2), dbSNP rs562927203, ClinGen allele CA7018273.
Genomic context (GRCh38, chr13:94,602,081, plus strand): 5'-ACCGCGGCCCAGGACGCCCAGGGCCAGCGCATCGGCCACTTCGAGTTCCATGGTAGGTCT[G>C]GGGGCGGGGAGGGGGATGAAGGCGCGCTGGCCCATCCCGCCGGCTGAGTCCGCCGGCCGC-3'